The following is an entry in ClinVar:

ClinVar aggregate classification (germline): Uncertain significance (1 of 4 stars; one submission).

Conditions:
Alstrom syndrome (ALMS). Identifiers: Orphanet 64, MedGen C0268425, MONDO:0008763, OMIM 203800.

Submission:

Labcorp Genetics (formerly Invitae), Labcorp
Classification: Uncertain significance for Alstrom syndrome. Last evaluated: 2022-06-27. Review status: criteria provided, single submitter. Criteria: Invitae Variant Classification Sherloc (09022015). Collection method: clinical testing. Allele origin: germline.
Comment: In summary, the available evidence is currently insufficient to determine the role of this variant in disease. Therefore, it has been classified as a Variant of Uncertain Significance. Experimental studies and prediction algorithms are not available or were not evaluated, and the functional significance of this variant is currently unknown. This variant has not been reported in the literature in individuals affected with ALMS1-related conditions. This variant is not present in population databases (gnomAD no frequency). This sequence change replaces glutamic acid with aspartic acid at codon 103 of the ALMS1 protein (p.Glu103Asp). The glutamic acid residue is moderately conserved and there is a small physicochemical difference between glutamic acid and aspartic acid.

NM_001378454.1(ALMS1):c.306G>T (p.Glu102Asp)

Gene: ALMS1 (ALMS1 centrosome and basal body associated protein; plus strand). Cytogenetic location: 2p13.1.
Variant type: single nucleotide variant.
Coding change: c.306G>T on transcript NM_001378454.1 (MANE Select); coding-DNA position 306, G replaced by T.
Protein change: p.Glu102Asp; replaces glutamic acid 102 with aspartic acid.
Molecular consequence: missense variant.
Genome position (GRCh38, 1-based): chr2:73,386,174, G>T. VCF-style: chr2-73386174-G-T. GRCh37 (hg19) VCF-style: chr2-73613302-G-T.
Other names: c.309G>T, p.Glu103Asp (NM_015120.4); short protein forms E103D, E102D.
Identifiers: ClinVar variation 1447785 (VCV001447785.4), dbSNP rs2104060344, ClinGen allele CA347251040.
Genomic context (GRCh38, chr2:73,386,174, plus strand): 5'-GCACCCCGGCAGGATTTTGCCTCCGCTGTCGCCCCCGCAGCACCGCTACTCGGAGGGCGA[G>T]CGGACCTCCCTGGAGAAGGTGAGGCGGGCCGGGGAGGGGTGTGGAGCCGCGGCGAGTTGG-3'
Protein context (NP_001365383.1, residues 92-112): SPPQHRYSEG[Glu102Asp]RTSLEKIVPL